The following is an entry in ClinVar:

NM_001374828.1(ARID1B):c.2537G>T (p.Ser846Ile)

Gene: ARID1B (AT-rich interaction domain 1B; plus strand). Cytogenetic location: 6q25.3.
Variant type: single nucleotide variant.
Coding change: c.2537G>T on transcript NM_001374828.1 (MANE Select); coding-DNA position 2537, G replaced by T.
Protein change: p.Ser846Ile; replaces serine 846 with isoleucine.
Molecular consequence: missense variant. On other transcripts: intron variant (1).
Genome position (GRCh38, 1-based): chr6:157,110,517, G>T. VCF-style: chr6-157110517-G-T. GRCh37 (hg19) VCF-style: chr6-157431651-G-T.
Other names: c.2327G>T (NM_020732.3); c.38G>T, p.Ser13Ile (NM_001363725.2, NM_001438488.1); c.2576G>T, p.Ser859Ile (NM_001371656.1, NM_001374820.1); c.2537G>T, p.Ser846Ile (NM_001438482.1, NM_001438487.1, NM_017519.3); c.2579G>T, p.Ser860Ile (NM_001438483.1, NM_001438486.1); c.2492-22511G>T (NM_001438485.1); short protein forms S13I, S846I, S859I, S860I.
Identifiers: ClinVar variation 4863464 (VCV004863464.1).
Genomic context (GRCh38, chr6:157,110,517, plus strand): 5'-TCCTGTGTTTTACAGGTAGTCAGATGCCTCCGCAGCCACCCGGGAGCCAGTCAGAATCCA[G>T]TTCCCATCCCGCCTTGAGCCAGTCACCAATGCCACAGGAAAGAGGTTCGTCTCCAGTTCA-3'
Protein context (NP_001361757.1, residues 836-856): PQPPGSQSES[Ser846Ile]SHPALSQSPM

ClinVar aggregate classification (germline): Uncertain significance (1 of 4 stars; one submission).

Conditions:
Inborn genetic diseases. Identifiers: MedGen C0950123, MeSH D030342.

gnomAD v4.1: 1 of 1,614,012 alleles (0.000062%); highest among the groups gnomAD compares: African/African-American, 0.0013%; no homozygotes.

Submission:

Ambry Genetics
Classification: Uncertain significance for Inborn genetic diseases. Last evaluated: 2026-05-20. Review status: criteria provided, single submitter. Criteria: Ambry Variant Classification Scheme 2023. Collection method: clinical testing. Allele origin: germline.
Comment: The c.2327G>T (p.S776I) alteration is located in exon 7 (coding exon 7) of the ARID1B gene. This alteration results from a G to T substitution at nucleotide position 2327, causing the serine (S) at amino acid position 776 to be replaced by an isoleucine (I). Based on data from gnomAD, the T allele has an overall frequency of 0.003% (1/31386) total alleles studied. The highest observed frequency was 0.012% (1/8706) of African alleles. Based on insufficient or conflicting evidence, the clinical significance of this alteration remains unclear.